The following is an entry in ClinVar:

NM_025081.3(NYNRIN):c.3359G>A (p.Ser1120Asn)

Gene: NYNRIN (NYN domain and retroviral integrase containing; plus strand). Cytogenetic location: 14q12.
Variant type: single nucleotide variant.
Coding change: c.3359G>A on transcript NM_025081.3 (MANE Select); coding-DNA position 3359, G replaced by A.
Protein change: p.Ser1120Asn; replaces serine 1120 with asparagine.
Molecular consequence: missense variant.
Genome position (GRCh38, 1-based): chr14:24,415,108, G>A. VCF-style: chr14-24415108-G-A. GRCh37 (hg19) VCF-style: chr14-24884314-G-A.
Other names: short protein forms S1120N.
Identifiers: ClinVar variation 3882124 (VCV003882124.3).

ClinVar aggregate classification (germline): Uncertain significance. Review status: criteria provided, multiple submitters, no conflicts (2 of 4 stars). 3 submissions from 3 submitters: Uncertain significance (3). Last evaluated 2026-02-11.

Conditions:
Predisposition to Wilms tumor.

Submissions (3):

St. Jude Molecular Pathology, St. Jude Children's Research Hospital
Classification: Uncertain significance for Predisposition to Wilms tumor. Last evaluated: 2026-02-11. Review status: criteria provided, single submitter. Criteria: St. Jude Assertion Criteria 2020. Collection method: clinical testing. Allele origin: germline.
Comment: The NYNRIN c.3359G>A p.(Ser1120Asn) missense change has a maximum subpopulation frequency of 0.02% in gnomAD v2.1.1. The in silico tool REVEL predicts a benign effect on protein function, but to our knowledge this prediction has not been confirmed by functional studies. To our knowledge, this variant has not been reported in individuals with Wilms tumor. In summary, the evidence currently available is insufficient to determine the clinical significance of this variant. It has therefore been classified as of uncertain significance.

Labcorp Genetics (formerly Invitae), Labcorp
Classification: Uncertain significance. Last evaluated: 2025-10-01. Review status: criteria provided, single submitter. Criteria: Invitae Variant Classification Sherloc (09022015). Collection method: clinical testing. Allele origin: germline.
Comment: This sequence change replaces serine, which is neutral and polar, with asparagine, which is neutral and polar, at codon 1120 of the NYNRIN protein (p.Ser1120Asn). This variant is present in population databases (rs370097904, gnomAD 0.02%). This variant has not been reported in the literature in individuals affected with NYNRIN-related conditions. ClinVar contains an entry for this variant (Variation ID: 3882124). Experimental studies and prediction algorithms are not available or were not evaluated, and the functional significance of this variant is currently unknown. In summary, the available evidence is currently insufficient to determine the role of this variant in disease. Therefore, it has been classified as a Variant of Uncertain Significance.

Ambry Genetics
Classification: Uncertain significance. Last evaluated: 2025-02-11. Review status: criteria provided, single submitter. Criteria: Ambry Variant Classification Scheme 2023. Collection method: clinical testing. Allele origin: germline.